The following is an entry in ClinVar:

NM_003482.4(KMT2D):c.15227C>T (p.Ala5076Val)

Gene: KMT2D (lysine methyltransferase 2D; minus strand). Cytogenetic location: 12q13.12.
Variant type: single nucleotide variant.
Coding change: c.15227C>T on transcript NM_003482.4 (MANE Select); coding-DNA position 15227, C replaced by T.
Protein change: p.Ala5076Val; replaces alanine 5076 with valine.
Molecular consequence: missense variant.
Genome position (GRCh38, 1-based): chr12:49,026,739, G>A on the plus strand (C>T on the coding strand, the complement: KMT2D is on the minus strand). VCF-style: chr12-49026739-G-A. GRCh37 (hg19) VCF-style: chr12-49420522-G-A.
Other names: short protein forms A5076V.
Identifiers: ClinVar variation 4537671 (VCV004537671.1).

ClinVar aggregate classification (germline): Uncertain significance (1 of 4 stars; one submission).

Submission:

GeneDx
Classification: Uncertain significance. Last evaluated: 2025-06-11. Review status: criteria provided, single submitter. Criteria: GeneDx Variant Classification Process June 2021. Collection method: clinical testing. Allele origin: germline. Affected: yes.
Comment: Not observed at significant frequency in large population cohorts (gnomAD); In silico analysis supports that this missense variant has a deleterious effect on protein structure/function; Has not been previously published as pathogenic or benign to our knowledge